The following is an entry in ClinVar:

ClinVar aggregate classification (germline): Uncertain significance (1 of 4 stars; one submission).

Conditions:
Adams-Oliver syndrome 5 (AOS5). Identifiers: Orphanet 974, MedGen C4014970, MONDO:0014459, OMIM 616028.

Submission:

Labcorp Genetics (formerly Invitae), Labcorp
Classification: Uncertain significance for Adams-Oliver syndrome 5. Last evaluated: 2021-02-13. Review status: criteria provided, single submitter. Criteria: Invitae Variant Classification Sherloc (09022015). Collection method: clinical testing. Allele origin: germline.
Comment: This sequence change creates a premature translational stop signal (p.Gln2383*) in the NOTCH1 gene. While this is not anticipated to result in nonsense mediated decay, it is expected to disrupt the last 173 amino acid(s) of the NOTCH1 protein. This variant is not present in population databases (ExAC no frequency). This variant has not been reported in the literature in individuals with NOTCH1-related conditions. Experimental studies and prediction algorithms are not available or were not evaluated, and the functional significance of this variant is currently unknown. In summary, the available evidence is currently insufficient to determine the role of this variant in disease. Therefore, it has been classified as a Variant of Uncertain Significance.

NM_017617.5(NOTCH1):c.7147C>T (p.Gln2383Ter)

Gene: NOTCH1 (notch receptor 1; minus strand). Cytogenetic location: 9q34.3.
Variant type: single nucleotide variant.
Coding change: c.7147C>T on transcript NM_017617.5 (MANE Select); coding-DNA position 7147, C replaced by T.
Protein change: p.Gln2383Ter; replaces glutamine 2383 with a stop codon.
Molecular consequence: nonsense.
Genome position (GRCh38, 1-based): chr9:136,496,592, G>A on the plus strand (C>T on the coding strand, the complement: NOTCH1 is on the minus strand). VCF-style: chr9-136496592-G-A. GRCh37 (hg19) VCF-style: chr9-139391044-G-A.
Other names: short protein forms Q2383*.
Identifiers: ClinVar variation 1495189 (VCV001495189.6), dbSNP rs759362012, ClinGen allele CA375627945.